The following is an entry in ClinVar:

ClinVar aggregate classification (germline): Uncertain significance (1 of 4 stars; one submission).

Conditions:
Ehlers-Danlos syndrome, type 4 (EDSVASC). Also called: Ehlers-Danlos syndrome vascular type; Ehlers Danlos syndrome, ecchymotic type; Ehlers Danlos syndrome, arterial type; Ehlers Danlos syndrome, Sack-Barabas type; Ehlers-Danlos Syndrome Type IV. Identifiers: Orphanet 286, MedGen C0268338, MONDO:0017314, OMIM 130050.

Submission:

Labcorp Genetics (formerly Invitae), Labcorp
Classification: Uncertain significance for Ehlers-Danlos syndrome, type 4. Last evaluated: 2024-03-08. Review status: criteria provided, single submitter. Criteria: Invitae Variant Classification Sherloc (09022015). Collection method: clinical testing. Allele origin: germline.
Comment: This sequence change replaces histidine, which is basic and polar, with tyrosine, which is neutral and polar, at codon 190 of the COL3A1 protein (p.His190Tyr). This variant is not present in population databases (gnomAD no frequency). This variant has not been reported in the literature in individuals affected with COL3A1-related conditions. ClinVar contains an entry for this variant (Variation ID: 2038903). Advanced modeling of protein sequence and biophysical properties (such as structural, functional, and spatial information, amino acid conservation, physicochemical variation, residue mobility, and thermodynamic stability) performed at Invitae indicates that this missense variant is not expected to disrupt COL3A1 protein function with a negative predictive value of 95%. In summary, the available evidence is currently insufficient to determine the role of this variant in disease. Therefore, it has been classified as a Variant of Uncertain Significance.

NM_000090.4(COL3A1):c.568C>T (p.His190Tyr)

Gene: COL3A1 (collagen type III alpha 1 chain; plus strand). Cytogenetic location: 2q32.2.
Variant type: single nucleotide variant.
Coding change: c.568C>T on transcript NM_000090.4 (MANE Select); coding-DNA position 568, C replaced by T.
Protein change: p.His190Tyr; replaces histidine 190 with tyrosine.
Molecular consequence: missense variant.
Genome position (GRCh38, 1-based): chr2:188,988,120, C>T. VCF-style: chr2-188988120-C-T. GRCh37 (hg19) VCF-style: chr2-189852846-C-T.
Other names: short protein forms H190Y.
Identifiers: ClinVar variation 2038903 (VCV002038903.4), dbSNP rs2469113415, ClinGen allele CA349848275.
Genomic context (GRCh38, chr2:188,988,120, plus strand): 5'-TCATTCAAATTCACATTCCAGGGCCCCCCAGGCCCTCCCGGTCCCCCTGGTACATCTGGT[C>T]ATCCTGGTTCCCCTGTAAGTATAGCCATTGGTGGTGTTTTCTTCCTCATTTTTAGAAAAA-3'
Protein context (NP_000081.2, residues 180-200): GPPGPPGTSG[His190Tyr]PGSPGSPGYQ